The following is an entry in ClinVar:

NM_000038.6(APC):c.7489dup (p.Ser2497fs)

Gene: APC (APC regulator of Wnt signaling pathway; plus strand). Cytogenetic location: 5q22.2.
Variant type: Duplication.
Coding change: c.7489dup on transcript NM_000038.6 (MANE Select); coding-DNA position 7489, one base duplicated (T; older notation c.7489dupT).
Protein change: p.Ser2497fs; shifts the reading frame from serine 2497.
Molecular consequence: frameshift variant.
Genome position (GRCh38, 1-based): chr5:112,843,083, T duplicated; the last of 2 consecutive T bases (chr5:112,843,082-112,843,083); duplicating either gives the same sequence. VCF-style (leftmost placement, unchanged base first): chr5-112843081-A-AT. GRCh37 (hg19) VCF-style: chr5-112178778-A-AT.
Other names: NM_000038.6(APC):c.7489dup; p.Ser2497fs; c.7489dup (NM_000038.5); c.7489dup, p.Ser2497fs (NM_001127510.3, NM_001354895.2); c.7435dup, p.Ser2479fs (NM_001127511.3); c.7543dup, p.Ser2515fs (NM_001354896.2); c.7519dup, p.Ser2507fs (NM_001354897.2); c.7414dup, p.Ser2472fs (NM_001354898.2); and 8 more; short protein forms S2371fs, S2479fs, S2515fs, S2396fs, S2406fs, S2472fs, S2497fs, S2214fs.
Identifiers: ClinVar variation 653103 (VCV000653103.27), dbSNP rs1409414498, ClinGen allele CA562217619.

ClinVar aggregate classification (germline): Pathogenic. Review status: reviewed by expert panel (3 of 4 stars). 9 submissions from 9 submitters: Pathogenic (1). 8 of the submissions do not count toward it. Last evaluated 2025-05-16.

Conditions:
Hereditary cancer-predisposing syndrome. Also called: Neoplastic Syndromes, Hereditary; Tumor predisposition; Hereditary Cancer Syndrome; Hereditary neoplastic syndrome. Identifiers: Orphanet 140162, MedGen C0027672, MeSH D009386, MONDO:0015356.
Familial adenomatous polyposis 1 (FAP1). Also called: POLYPOSIS, ADENOMATOUS INTESTINAL; FAMILIAL ADENOMATOUS POLYPOSIS 1, ATTENUATED. Identifiers: MedGen C2713442, MONDO:0021056, OMIM 175100. Disease mechanism: loss of function.

Submissions (9):

ClinGen InSiGHT Hereditary Colorectal Cancer/Polyposis Variant Curation Expert Panel
Classification: Pathogenic for Familial adenomatous polyposis 1. Last evaluated: 2025-05-16. Review status: reviewed by expert panel. Criteria: ClinGen InSiGHT HCCP VCEP ACMG Specifications APC V1. Collection method: curation. Allele origin: germline. Inheritance: Autosomal dominant inheritance.
Comment: The NM_000038.6(APC):c.7489dup (p.Ser2497PhefsTer14) variant in APC is a frameshift variant located between codon 49 and 2645 and predicted to cause a premature stop codon in exon 16 in a gene in which loss-of-function is an established disease mechanism (PVS1). The total minor allele frequency in gnomAD v2.1.1 (non-cancer) is 0.0004% (1/236770 alleles), which is lower than the ClinGen InSiGHT Hereditary Colorectal Cancer/Polyposis VCEP (HCCP VCEP) threshold < 0.001% (0.00001) for PM2_Supporting if the allele count is ≤ 1 and therefore meets this criterion (PM2_Supporting). This variant has been reported in 1 family meeting phenotypic criteria, resulting in a total phenotype score of 1 (PS4_Supporting, Invitae internal data). Moreover, the variant has been reported in one additional proband with a colorectal cancer/polyposis associated phenotype not meeting phenotypic criteria and in three unaffected individuals with a family history of gastrointestinal cancer and/or colorectal polyps (Ambry Genetics and Invitae internal data). In summary, this variant meets the criteria to be classified as Pathogenic for autosomal-dominant inherited FAP based on the ACMG/AMP criteria applied, as specified by the ClinGen HCCP VCEP: criteria PVS1, PS4_Supporting and PM2_Supporting applied (VCEP specifications version v2.0.3; date of approval 7/24/2023).

Ambry Genetics
Classification: Pathogenic for Hereditary cancer-predisposing syndrome. Last evaluated: 2024-11-22. Review status: criteria provided, single submitter. Criteria: Ambry Variant Classification Scheme 2023. Collection method: clinical testing. Allele origin: germline. Not counted in ClinVar's aggregate classification.
Comment: The c.7489dupT pathogenic mutation, located in coding exon 15 of the APC gene, results from a duplication of T at nucleotide position 7489, causing a translational frameshift with a predicted alternate stop codon (p.S2497Ffs*14). This alteration occurs at the 3' terminus of theAPC gene, is not expected to trigger nonsense-mediated mRNA decay, and only impacts the last 12% of the protein. However, premature stop codons are typically deleterious in nature, and a significant portion of the protein is affected (Ambry internal data). Based on the supporting evidence, this variant is interpreted as a disease-causing mutation.

Labcorp Genetics (formerly Invitae), Labcorp
Classification: Pathogenic for Familial adenomatous polyposis 1. Last evaluated: 2024-07-08. Review status: criteria provided, single submitter. Criteria: Invitae Variant Classification Sherloc (09022015). Collection method: clinical testing. Allele origin: germline. Not counted in ClinVar's aggregate classification.
Comment: This sequence change creates a premature translational stop signal (p.Ser2497Phefs*14) in the APC gene. While this is not anticipated to result in nonsense mediated decay, it is expected to disrupt the last 347 amino acid(s) of the APC protein. This variant is present in population databases (no rsID available, gnomAD 0.003%). This variant has not been reported in the literature in individuals affected with APC-related conditions. ClinVar contains an entry for this variant (Variation ID: 653103). This variant is expected to disrupt the EB1 and HDLG binding sites, which mediate interactions with the cytoskeleton (PMID: 15311282, 17293347). While functional studies have not been performed to directly test the effect on APC protein function, this suggests that disruption of the C-terminal portion of the protein is functionally important. A different truncation (p.Tyr2645Lysfs*14) that lies downstream of this variant has been determined to be pathogenic (PMID: 9824584, 1316610, 27081525, 8381579, 22135120, Invitae). This suggests that deletion of this region of the APC protein is causative of disease. For these reasons, this variant has been classified as Pathogenic.

Baylor Genetics
Classification: Likely pathogenic for Familial adenomatous polyposis 1. Last evaluated: 2023-07-06. Review status: criteria provided, single submitter. Criteria: ACMG Guidelines, 2015. Collection method: clinical testing. Allele origin: unknown. Not counted in ClinVar's aggregate classification.

Myriad Genetics, Inc.
Classification: Pathogenic for Familial adenomatous polyposis 1. Last evaluated: 2023-05-16. Review status: criteria provided, single submitter. Criteria: Myriad Autosomal Dominant, Autosomal Recessive and X-Linked Classification Criteria (2023). Collection method: clinical testing. Allele origin: unknown. Not counted in ClinVar's aggregate classification.
Comment: This variant is considered pathogenic. This variant creates a frameshift predicted to result in premature protein truncation.

Clinical Genetics Laboratory, Skane University Hospital Lund
Classification: Pathogenic. Last evaluated: 2022-10-27. Review status: criteria provided, single submitter. Criteria: ACMG Guidelines, 2015. Collection method: clinical testing. Allele origin: germline. Affected: yes. Not counted in ClinVar's aggregate classification.

Color Diagnostics, LLC DBA Color Health
Classification: Pathogenic for Hereditary cancer-predisposing syndrome. Last evaluated: 2022-04-05. Review status: criteria provided, single submitter. Criteria: ACMG Guidelines, 2015. Collection method: clinical testing. Allele origin: germline. Not counted in ClinVar's aggregate classification.
Comment: This variant inserts 1 nucleotide in exon 16 of the APC gene, creating a frameshift and premature translation stop signal in the last coding exon. This variant is predicted to escape nonsense-mediated decay and be expressed as a truncated protein. Although functional studies have not been reported, this variant is expected to disrupt EB1 binding, HDLG binding, and a nuclear localization signal. In addition, truncating variants occurring downstream of this variant are known to be disease-causing (ClinVar: 648862, 827255, 265577 486770). To our knowledge, this variant has not been reported in individuals affected with hereditary cancer in the literature. This variant has been identified in 1/251306 chromosomes in the general population by the Genome Aggregation Database (gnomAD). Loss of APC function is a known mechanism of disease. Based on the available evidence, this variant is classified as Pathogenic.

Revvity Omics, Revvity
Classification: Likely pathogenic. Last evaluated: 2021-11-15. Review status: criteria provided, single submitter. Criteria: ACMG Guidelines, 2015. Collection method: clinical testing. Allele origin: germline. Not counted in ClinVar's aggregate classification.

Sema4
Classification: Likely pathogenic for Hereditary cancer-predisposing syndrome. Last evaluated: 2021-07-12. Review status: criteria provided, single submitter. Criteria: Sema4 Curation Guidelines. Collection method: curation. Allele origin: germline. Not counted in ClinVar's aggregate classification.
Comment: To the best of our knowledge, the APC c.7489dupT (p.S2497FfsX14) variant has not been reported in individuals with APC-related disease. This variant causes a frameshift at amino acid 2497 that results in premature termination 14 amino acids downstream. This variant was observed in 1/30612 chromosomes in the South Asian population, according to the Genome Aggregation Database (PMID: 32461654). This variant has been reported in ClinVar (Variation ID 653103). Based on the current evidence available, this variant is interpreted as likely pathogenic.

Literature cited by the submitters: PubMed 15311282 (cited by Labcorp Genetics (formerly Invitae), Labcorp); PubMed 17293347 (cited by Labcorp Genetics (formerly Invitae), Labcorp); PubMed 9824584 (cited by Labcorp Genetics (formerly Invitae), Labcorp); PubMed 1316610 (cited by Labcorp Genetics (formerly Invitae), Labcorp); PubMed 27081525 (cited by Labcorp Genetics (formerly Invitae), Labcorp); PubMed 8381579 (cited by Labcorp Genetics (formerly Invitae), Labcorp); PubMed 22135120 (cited by Labcorp Genetics (formerly Invitae), Labcorp).